The following is an entry in ClinVar:

NM_005228.5(EGFR):c.1787C>T (p.Pro596Leu)

Gene: EGFR (epidermal growth factor receptor; plus strand). Cytogenetic location: 7p11.2.
Variant type: single nucleotide variant.
Coding change: c.1787C>T on transcript NM_005228.5 (MANE Select); coding-DNA position 1787, C replaced by T.
Protein change: p.Pro596Leu; replaces proline 596 with leucine.
Molecular consequence: missense variant.
Genome position (GRCh38, 1-based): chr7:55,165,344, C>T. VCF-style: chr7-55165344-C-T. GRCh37 (hg19) VCF-style: chr7-55233037-C-T.
Other names: c.1787C>T (NM_005228.3); c.1652C>T, p.Pro551Leu (NM_001346897.2, NM_001346899.2); c.1787C>T, p.Pro596Leu (NM_001346898.2, NM_201282.2, NM_201284.2); c.1628C>T, p.Pro543Leu (NM_001346900.2); c.986C>T, p.Pro329Leu (NM_001346941.2); short protein forms P329L, P543L, P551L, P596L.
Identifiers: ClinVar variation 1058870 (VCV001058870.11), dbSNP rs1477025000, ClinGen allele CA367580831.

ClinVar aggregate classification (germline): Uncertain significance. Review status: criteria provided, multiple submitters, no conflicts (2 of 4 stars). 2 submissions from 2 submitters: Uncertain significance (2). Last evaluated 2025-09-24.
ClinVar aggregate classification (oncogenicity): Oncogenic (1 of 4 stars; one submission).

Conditions:
Hereditary cancer-predisposing syndrome. Also called: Neoplastic Syndromes, Hereditary; Hereditary Cancer Syndrome; Hereditary neoplastic syndrome; Tumor predisposition. Identifiers: Orphanet 140162, MedGen C0027672, MeSH D009386, MONDO:0015356.
EGFR-related lung cancer (EGFR). Identifiers: MedGen CN130014.
Neoplasm. Also called: tumor; Neoplasms; Neoplasm (disease). Identifiers: MedGen C0027651, MeSH D009369, MONDO:0005070, HP:0002664.

Allele frequency attached by ClinVar (database versions not stated): gnomAD exomes below 0.00001 and 0.00001; gnomAD 0.00001; TOPMed 0.00002.
gnomAD v4.1: 10 of 1,614,050 alleles (0.00062%); highest among the groups gnomAD compares: African/African-American, 0.0027%; no homozygotes.

Submissions (3):

Ambry Genetics
Classification: Uncertain significance for Hereditary cancer-predisposing syndrome. Last evaluated: 2025-09-24. Review status: criteria provided, single submitter. Criteria: Ambry Variant Classification Scheme 2023. Collection method: clinical testing. Allele origin: germline.
Comment: The p.P596L variant (also known as c.1787C>T), located in coding exon 15 of the EGFR gene, results from a C to T substitution at nucleotide position 1787. The proline at codon 596 is replaced by leucine, an amino acid with similar properties. This amino acid position is highly conserved in available vertebrate species. In addition, this alteration is predicted to be deleterious by in silico analysis. Based on the available evidence, the clinical significance of this variant remains unclear.

Center for Genomic Medicine, Rigshospitalet, Copenhagen University Hospital
Classification: Oncogenic for Neoplasm. Last evaluated: 2025-03-04. Review status: criteria provided, single submitter. Criteria: ClinGen/CGC/VICC Guidelines for Oncogenicity, 2022. Collection method: clinical testing. Allele origin: somatic. Affected: yes.

Labcorp Genetics (formerly Invitae), Labcorp
Classification: Uncertain significance for EGFR-related lung cancer. Last evaluated: 2024-08-15. Review status: criteria provided, single submitter. Criteria: Invitae Variant Classification Sherloc (09022015). Collection method: clinical testing. Allele origin: germline.
Comment: This sequence change replaces proline, which is neutral and non-polar, with leucine, which is neutral and non-polar, at codon 596 of the EGFR protein (p.Pro596Leu). This variant is present in population databases (no rsID available, gnomAD 0.007%). This variant has not been reported in the literature in individuals affected with EGFR-related conditions. ClinVar contains an entry for this variant (Variation ID: 1058870). Invitae Evidence Modeling of protein sequence and biophysical properties (such as structural, functional, and spatial information, amino acid conservation, physicochemical variation, residue mobility, and thermodynamic stability) indicates that this missense variant is expected to disrupt EGFR protein function with a positive predictive value of 80%. Experimental studies have shown that this missense change affects EGFR function (PMID: 31290142). In summary, the available evidence is currently insufficient to determine the role of this variant in disease. Therefore, it has been classified as a Variant of Uncertain Significance.

Literature cited by the submitters: PubMed 31290142 (cited by Center for Genomic Medicine, Rigshospitalet, Copenhagen University Hospital and Labcorp Genetics (formerly Invitae), Labcorp); PubMed 29533785 (cited by Center for Genomic Medicine, Rigshospitalet, Copenhagen University Hospital).